The following is an entry in ClinVar:

NM_004958.4(MTOR):c.5873A>T (p.His1958Leu)

Gene: MTOR (mechanistic target of rapamycin kinase; minus strand). Cytogenetic location: 1p36.22.
Variant type: single nucleotide variant.
Coding change: c.5873A>T on transcript NM_004958.4 (MANE Select); coding-DNA position 5873, A replaced by T.
Protein change: p.His1958Leu; replaces histidine 1958 with leucine.
Molecular consequence: missense variant.
Genome position (GRCh38, 1-based): chr1:11,128,491, T>A on the plus strand (A>T on the coding strand, the complement: MTOR is on the minus strand). VCF-style: chr1-11128491-T-A. GRCh37 (hg19) VCF-style: chr1-11188548-T-A.
Other names: c.5873A>T, p.His1958Leu (NM_001386500.1); c.4625A>T, p.His1542Leu (NM_001386501.1); short protein forms H1958L, H1542L.
Identifiers: ClinVar variation 1353711 (VCV001353711.8), dbSNP rs2100417425, ClinGen allele CA338395015.
Genomic context (GRCh38, chr1:11,128,491, plus strand): 5'-AACTGCCCAGAGTCTCCACATACCTGGGGGTGGTACCGACCAATGTCTGTGAGAAGCTGG[T>A]GAATGAGACGTCCCACCAAGGGTCTGGGCGTATCAATTCTTGCAATGAGCTGAGGTATAA-3'
Protein context (NP_004949.1, residues 1948-1968): TPRPLVGRLI[His1958Leu]QLLTDIGRYH

ClinVar aggregate classification (germline): Uncertain significance (1 of 4 stars; one submission).

Submission:

Labcorp Genetics (formerly Invitae), Labcorp
Classification: Uncertain significance. Last evaluated: 2021-05-14. Review status: criteria provided, single submitter. Criteria: Invitae Variant Classification Sherloc (09022015). Collection method: clinical testing. Allele origin: germline.
Comment: This sequence change replaces histidine with leucine at codon 1958 of the MTOR protein (p.His1958Leu). The histidine residue is moderately conserved and there is a moderate physicochemical difference between histidine and leucine. This variant is not present in population databases (ExAC no frequency). This variant has not been reported in the literature in individuals with MTOR-related conditions. Advanced modeling of protein sequence and biophysical properties (such as structural, functional, and spatial information, amino acid conservation, physicochemical variation, residue mobility, and thermodynamic stability) performed at Invitae indicates that this missense variant is expected to disrupt MTOR protein function. In summary, the available evidence is currently insufficient to determine the role of this variant in disease. Therefore, it has been classified as a Variant of Uncertain Significance.